The following is an entry in ClinVar:

NM_015102.5(NPHP4):c.3570A>C (p.Glu1190Asp)

Gene: NPHP4 (nephrocystin 4; minus strand). Cytogenetic location: 1p36.31.
Variant type: single nucleotide variant.
Coding change: c.3570A>C on transcript NM_015102.5 (MANE Select); coding-DNA position 3570, A replaced by C.
Protein change: p.Glu1190Asp; replaces glutamic acid 1190 with aspartic acid.
Molecular consequence: missense variant. On other transcripts: non-coding transcript variant (1).
Genome position (GRCh38, 1-based): chr1:5,866,447, T>G on the plus strand (A>C on the coding strand, the complement: NPHP4 is on the minus strand). VCF-style: chr1-5866447-T-G. GRCh37 (hg19) VCF-style: chr1-5926507-T-G.
Other names: c.2031A>C, p.Glu677Asp (NM_001291593.2); c.2034A>C, p.Glu678Asp (NM_001291594.2); short protein forms E1190D, E677D, E678D.
Identifiers: ClinVar variation 1472759 (VCV001472759.8), dbSNP rs555164, ClinGen allele CA338051070.

ClinVar aggregate classification (germline): Uncertain significance (1 of 4 stars; one submission).

Conditions:
Nephronophthisis. Also called: Juvenile Nephronophthisis. Identifiers: Orphanet 655, MedGen C0687120, MONDO:0019005, HP:0000090.

gnomAD v4.1: 2 of 1,594,442 alleles (0.00013%); highest among the groups gnomAD compares: Non-Finnish European, 0.00017%; no homozygotes.

Submission:

Labcorp Genetics (formerly Invitae), Labcorp
Classification: Uncertain significance for Nephronophthisis. Last evaluated: 2021-06-12. Review status: criteria provided, single submitter. Criteria: Invitae Variant Classification Sherloc (09022015). Collection method: clinical testing. Allele origin: germline.
Comment: This sequence change replaces glutamic acid with aspartic acid at codon 1190 of the NPHP4 protein (p.Glu1190Asp). The glutamic acid residue is highly conserved and there is a small physicochemical difference between glutamic acid and aspartic acid. This variant is not present in population databases (ExAC no frequency). This variant has not been reported in the literature in individuals with NPHP4-related conditions. Algorithms developed to predict the effect of missense changes on protein structure and function are either unavailable or do not agree on the potential impact of this missense change (SIFT: "Deleterious"; PolyPhen-2: "Probably Damaging"; Align-GVGD: "Class C0"). In summary, the available evidence is currently insufficient to determine the role of this variant in disease. Therefore, it has been classified as a Variant of Uncertain Significance.